The following is an entry in ClinVar:

ClinVar aggregate classification (germline): Uncertain significance (1 of 4 stars; one submission).

gnomAD v4.1: 1 of 1,611,658 alleles (0.000062%); highest among the groups gnomAD compares: Admixed American, 0.0017%; no homozygotes.

Submission:

GeneDx
Classification: Uncertain significance. Last evaluated: 2025-06-10. Review status: criteria provided, single submitter. Criteria: GeneDx Variant Classification Process June 2021. Collection method: clinical testing. Allele origin: germline. Affected: yes.
Comment: Not observed at significant frequency in large population cohorts (gnomAD); In silico analysis supports that this missense variant has a deleterious effect on protein structure/function; In silico analysis suggests this variant may impact gene splicing. In the absence of RNA/functional studies, the actual effect of this sequence change is unknown.; Has not been previously published as pathogenic or benign to our knowledge; This variant is associated with the following publications: (PMID: 11781872)

NM_000141.5(FGFR2):c.1682A>C (p.Tyr561Ser)

Gene: FGFR2 (fibroblast growth factor receptor 2; minus strand). Cytogenetic location: 10q26.13.
Variant type: single nucleotide variant.
Coding change: c.1682A>C on transcript NM_000141.5 (MANE Select); coding-DNA position 1682, A replaced by C.
Protein change: p.Tyr561Ser; replaces tyrosine 561 with serine.
Molecular consequence: missense variant. On other transcripts: non-coding transcript variant (1).
Genome position (GRCh38, 1-based): chr10:121,496,713, T>G on the plus strand (A>C on the coding strand, the complement: FGFR2 is on the minus strand). VCF-style: chr10-121496713-T-G. GRCh37 (hg19) VCF-style: chr10-123256227-T-G.
Other names: c.1685A>C, p.Tyr562Ser (NM_001144913.1, NM_022970.4); c.1346A>C, p.Tyr449Ser (NM_001144914.1); c.1415A>C, p.Tyr472Ser (NM_001144915.2, NM_023029.3); c.1337A>C, p.Tyr446Ser (NM_001144916.2, NM_001441090.1); c.1334A>C, p.Tyr445Ser (NM_001144917.2); c.1331A>C, p.Tyr444Ser (NM_001144918.2, NM_001441091.1); c.1418A>C, p.Tyr473Ser (NM_001144919.2); c.998A>C, p.Tyr333Ser (NM_001320654.2); and 4 more; short protein forms Y333S, Y444S, Y445S, Y446S, Y449S, Y470S, Y471S, Y472S.
Identifiers: ClinVar variation 4538084 (VCV004538084.1).